The following is an entry in ClinVar:

NM_000082.4(ERCC8):c.1080T>C (p.Ala360=)

Gene: ERCC8 (ERCC excision repair 8, CSA ubiquitin ligase complex subunit; minus strand). Cytogenetic location: 5q12.1.
Variant type: single nucleotide variant.
Coding change: c.1080T>C on transcript NM_000082.4 (MANE Select); coding-DNA position 1080, T replaced by C.
Protein change: p.Ala360=; no amino-acid change (alanine 360 retained).
Molecular consequence: synonymous variant.
Genome position (GRCh38, 1-based): chr5:60,887,482, A>G on the plus strand (T>C on the coding strand, the complement: ERCC8 is on the minus strand). VCF-style: chr5-60887482-A-G. GRCh37 (hg19) VCF-style: chr5-60183309-A-G.
Other names: c.906T>C, p.Ala302= (NM_001007233.3); c.621T>C, p.Ala207= (NM_001290285.2).
Identifiers: ClinVar variation 193795 (VCV000193795.22), dbSNP rs4647130, ClinGen allele CA200777.

ClinVar aggregate classification (germline): Benign. Review status: criteria provided, multiple submitters, no conflicts (2 of 4 stars). 5 submissions from 5 submitters: Benign (5). Last evaluated 2026-02-04.

Conditions:
Cockayne syndrome type 1. Also called: Cockayne syndrome type I; Cockayne syndrome classical; Cockayne syndrome classic form. Identifiers: Orphanet 191, Orphanet 90321, MedGen C0751039, MONDO:0019569, OMIM 216400.

Allele frequency attached by ClinVar (database versions not stated): ESP Exome Variant Server 0.00008; gnomAD 0.00120 and 0.00208; gnomAD exomes 0.00205 and 0.00426; TOPMed 0.00245; ExAC 0.00414; 1000 Genomes Project 30x 0.01280; 1000 Genomes Project 0.01338.
gnomAD v4.1: 3,284 of 1,614,052 alleles (0.2%); highest among the groups gnomAD compares: East Asian, 6.8%; 114 homozygotes.

Submissions (5):

Labcorp Genetics (formerly Invitae), Labcorp
Classification: Benign. Last evaluated: 2026-02-04. Review status: criteria provided, single submitter. Criteria: Invitae Variant Classification Sherloc (09022015). Collection method: clinical testing. Allele origin: germline.

GeneDx
Classification: Benign. Last evaluated: 2020-05-18. Review status: criteria provided, single submitter. Criteria: GeneDx Variant Classification Process June 2021. Collection method: clinical testing. Allele origin: germline. Affected: yes.

Illumina Laboratory Services, Illumina
Classification: Benign for Cockayne syndrome type 1. Last evaluated: 2018-01-12. Review status: criteria provided, single submitter. Criteria: ICSL Variant Classification Criteria 13 December 2019. Collection method: clinical testing. Allele origin: germline.
Comment: This variant was observed in the ICSL laboratory as part of a predisposition screen in an ostensibly healthy population. It had not been previously curated by ICSL or reported in the Human Gene Mutation Database (HGMD: prior to June 1st, 2018), and was therefore a candidate for classification through an automated scoring system. Utilizing variant allele frequency, disease prevalence and penetrance estimates, and inheritance mode, an automated score was calculated to assess if this variant is too frequent to cause the disease. Based on the score and internal cut-off values, a variant classified as benign is not then subjected to further curation. The score for this variant resulted in a classification of benign for this disease.

Eurofins Ntd Llc (ga)
Classification: Benign. Last evaluated: 2015-01-31. Review status: criteria provided, single submitter. Criteria: EGL Classification Definitions 2015. Collection method: clinical testing. Allele origin: germline. Observed: 1 variant allele, 1 heterozygote.

PreventionGenetics, part of Exact Sciences
Classification: Benign. Review status: criteria provided, single submitter. Criteria: ACMG Guidelines, 2015. Collection method: clinical testing. Allele origin: germline.